The following is an entry in ClinVar:

NM_001082486.2(ACD):c.731A>G (p.Gln244Arg)

Gene: ACD (ACD shelterin complex subunit and telomerase recruitment factor; minus strand). Cytogenetic location: 16q22.1.
Variant type: single nucleotide variant.
Coding change: c.731A>G on transcript NM_001082486.2 (MANE Select); coding-DNA position 731, A replaced by G.
Protein change: p.Gln244Arg; replaces glutamine 244 with arginine.
Molecular consequence: missense variant.
Genome position (GRCh38, 1-based): chr16:67,658,731, T>C on the plus strand (A>G on the coding strand, the complement: ACD is on the minus strand). VCF-style: chr16-67658731-T-C. GRCh37 (hg19) VCF-style: chr16-67692634-T-C.
Other names: c.731A>G, p.Gln244Arg (NM_001410884.1); c.722A>G, p.Gln241Arg (NM_022914.3); short protein forms Q241R, Q244R.
Identifiers: ClinVar variation 2452458 (VCV002452458.2), dbSNP rs2543602125, ClinGen allele CA396353448.

ClinVar aggregate classification (germline): Uncertain significance (1 of 4 stars; one submission).

Conditions:
Inborn genetic diseases. Identifiers: MedGen C0950123, MeSH D030342.

Allele frequency attached by ClinVar (database versions not stated): gnomAD exomes below 0.00001.

Submission:

Ambry Genetics
Classification: Uncertain significance for Inborn genetic diseases. Last evaluated: 2023-02-28. Review status: criteria provided, single submitter. Criteria: Ambry Variant Classification Scheme 2023. Collection method: clinical testing. Allele origin: germline.
Comment: The p.Q330R variant (also known as c.989A>G), located in coding exon 8 of the ACD gene, results from an A to G substitution at nucleotide position 989. The glutamine at codon 330 is replaced by arginine, an amino acid with highly similar properties. This amino acid position is conserved. In addition, this alteration is predicted to be tolerated by in silico analysis. Since supporting evidence is limited at this time, the clinical significance of this alteration remains unclear.